The following is an entry in ClinVar:

NM_016938.5(EFEMP2):c.781G>A (p.Glu261Lys)

Gene: EFEMP2 (EGF containing fibulin extracellular matrix protein 2; minus strand). Cytogenetic location: 11q13.1.
Variant type: single nucleotide variant.
Coding change: c.781G>A on transcript NM_016938.5 (MANE Select); coding-DNA position 781, G replaced by A.
Protein change: p.Glu261Lys; replaces glutamic acid 261 with lysine.
Molecular consequence: missense variant. On other transcripts: non-coding transcript variant (1).
Genome position (GRCh38, 1-based): chr11:65,868,576, C>T on the plus strand (G>A on the coding strand, the complement: EFEMP2 is on the minus strand). VCF-style: chr11-65868576-C-T. GRCh37 (hg19) VCF-style: chr11-65636047-C-T.
Other names: short protein forms E261K.
Identifiers: ClinVar variation 2691675 (VCV002691675.1), dbSNP rs200340088, ClinGen allele CA6110528.

ClinVar aggregate classification (germline): Uncertain significance (1 of 4 stars; one submission).

Allele frequency attached by ClinVar (database versions not stated): gnomAD 0.00001; TOPMed 0.00001; gnomAD exomes 0.00002; ExAC 0.00007; 1000 Genomes Project 30x 0.00031; 1000 Genomes Project 0.00040.

Submission:

Women's Health and Genetics/Laboratory Corporation of America, LabCorp
Classification: Uncertain significance. Last evaluated: 2023-12-13. Review status: criteria provided, single submitter. Criteria: LabCorp Variant Classification Summary - May 2015. Collection method: clinical testing. Allele origin: germline.
Comment: Variant summary: EFEMP2 c.781G>A (p.Glu261Lys) results in a conservative amino acid change located in the EGF-like domain (IPR000742) of the encoded protein sequence. Three of five in-silico tools predict a damaging effect of the variant on protein function. The variant allele was found at a frequency of 5.2e-05 in 251292 control chromosomes. This frequency is not significantly higher than estimated for a pathogenic variant in EFEMP2 causing Autosomal Recessive Cutis Laxa (5.2e-05 vs 0.00071), allowing no conclusion about variant significance. To our knowledge, no occurrence of c.781G>A in individuals affected with Autosomal Recessive Cutis Laxa and no experimental evidence demonstrating its impact on protein function have been reported. No submitters have cited clinical-significance assessments for this variant to ClinVar after 2014. Based on the evidence outlined above, the variant was classified as uncertain significance.